The following is an entry in ClinVar:

NM_001384910.1(GUCA1A):c.335T>A (p.Leu112Gln)

Genes: GUCA1A (guanylate cyclase activator 1A; plus strand), GUCA1ANB-GUCA1A (GUCA1ANB-GUCA1A readthrough; plus strand). Cytogenetic location: 6p21.1.
Variant type: single nucleotide variant.
Coding change: c.335T>A on transcript NM_001384910.1 (MANE Select); coding-DNA position 335, T replaced by A.
Protein change: p.Leu112Gln; replaces leucine 112 with glutamine.
Molecular consequence: missense variant.
Genome position (GRCh38, 1-based): chr6:42,178,413, T>A. VCF-style: chr6-42178413-T-A. GRCh37 (hg19) VCF-style: chr6-42146151-T-A.
Other names: c.335T>A, p.Leu112Gln (NM_000409.5, NM_001319061.2, NM_001319062.2); short protein forms L112Q.
Identifiers: ClinVar variation 1801988 (VCV001801988.1), dbSNP rs774100447, ClinGen allele CA3805343.

ClinVar aggregate classification (germline): Uncertain significance (1 of 4 stars; one submission).

Allele frequency attached by ClinVar (database versions not stated): gnomAD exomes below 0.00001.
gnomAD v4.1: 3 of 1,614,006 alleles (0.00019%); highest among the groups gnomAD compares: Admixed American, 0.0017%; no homozygotes.

Submission:

GeneDx
Classification: Uncertain significance. Last evaluated: 2022-11-30. Review status: criteria provided, single submitter. Criteria: GeneDx Variant Classification Process June 2021. Collection method: clinical testing. Allele origin: germline. Affected: yes.
Comment: In silico analysis supports that this missense variant has a deleterious effect on protein structure/function; Has not been previously published as pathogenic or benign to our knowledge